The following is an entry in ClinVar:

NM_001029883.3(PCARE):c.301T>A (p.Ser101Thr)

Gene: PCARE (photoreceptor cilium actin regulator; minus strand). Cytogenetic location: 2p23.2.
Variant type: single nucleotide variant.
Coding change: c.301T>A on transcript NM_001029883.3 (MANE Select); coding-DNA position 301, T replaced by A.
Protein change: p.Ser101Thr; replaces serine 101 with threonine.
Molecular consequence: missense variant.
Genome position (GRCh38, 1-based): chr2:29,073,961, A>T on the plus strand (T>A on the coding strand, the complement: PCARE is on the minus strand). VCF-style: chr2-29073961-A-T. GRCh37 (hg19) VCF-style: chr2-29296827-A-T.
Other names: short protein forms S101T.
Identifiers: ClinVar variation 3677524 (VCV003677524.2).

ClinVar aggregate classification (germline): Uncertain significance (1 of 4 stars; one submission).

gnomAD v4.1: 1 of 1,614,202 alleles (0.000062%); highest among the groups gnomAD compares: Non-Finnish European, 0.000085%; no homozygotes.

Submission:

Labcorp Genetics (formerly Invitae), Labcorp
Classification: Uncertain significance. Last evaluated: 2024-11-25. Review status: criteria provided, single submitter. Criteria: Invitae Variant Classification Sherloc (09022015). Collection method: clinical testing. Allele origin: germline.
Comment: This sequence change replaces serine, which is neutral and polar, with threonine, which is neutral and polar, at codon 101 of the PCARE protein (p.Ser101Thr). This variant is not present in population databases (gnomAD no frequency). This variant has not been reported in the literature in individuals affected with PCARE-related conditions. An algorithm developed to predict the effect of missense changes on protein structure and function (PolyPhen-2) suggests that this variant is likely to be disruptive. In summary, the available evidence is currently insufficient to determine the role of this variant in disease. Therefore, it has been classified as a Variant of Uncertain Significance.